The following is an entry in ClinVar:

NM_000243.3(MEFV):c.1465C>T (p.Gln489Ter)

Gene: MEFV (MEFV innate immunity regulator, pyrin; minus strand). Cytogenetic location: 16p13.3.
Variant type: single nucleotide variant.
Coding change: c.1465C>T on transcript NM_000243.3 (MANE Select); coding-DNA position 1465, C replaced by T.
Protein change: p.Gln489Ter; replaces glutamine 489 with a stop codon.
Molecular consequence: nonsense.
Genome position (GRCh38, 1-based): chr16:3,247,138, G>A on the plus strand (C>T on the coding strand, the complement: MEFV is on the minus strand). VCF-style: chr16-3247138-G-A. GRCh37 (hg19) VCF-style: chr16-3297138-G-A.
Other names: c.832C>T, p.Gln278Ter (NM_001198536.2); short protein forms Q278*, Q489*.
Identifiers: ClinVar variation 1046179 (VCV001046179.18), dbSNP rs1958954245, ClinGen allele CA394464127.

ClinVar aggregate classification (germline): Uncertain significance. Review status: criteria provided, multiple submitters, no conflicts (2 of 4 stars). 2 submissions from 2 submitters: Uncertain significance (2). Last evaluated 2024-11-01.

Conditions:
Familial Mediterranean fever (FMF). Also called: Periodic peritonitis; Benign paroxysmal peritonitis; POLYSEROSITIS, FAMILIAL PAROXYSMAL; POLYSEROSITIS, RECURRENT. Identifiers: Orphanet 342, MedGen C0031069, MONDO:0018088, OMIM 249100. Disease mechanism: gain of function.

Allele frequency attached by ClinVar (database versions not stated): gnomAD exomes below 0.00001.

Submissions (2):

CeGaT Center for Human Genetics Tuebingen
Classification: Uncertain significance. Last evaluated: 2024-11-01. Review status: criteria provided, single submitter. Criteria: CeGaT Center For Human Genetics Tuebingen Variant Classification Criteria Version 2. Collection method: clinical testing. Allele origin: germline. Affected: yes. Observed: 1 variant allele.
Comment: MEFV: PM2

Labcorp Genetics (formerly Invitae), Labcorp
Classification: Uncertain significance for Familial Mediterranean fever. Last evaluated: 2021-11-06. Review status: criteria provided, single submitter. Criteria: Invitae Variant Classification Sherloc (09022015). Collection method: clinical testing. Allele origin: germline.
Comment: This sequence change creates a premature translational stop signal (p.Gln489*) in the MEFV gene. It is expected to result in an absent or disrupted protein product. However, the current clinical and genetic evidence is not sufficient to establish whether loss-of-function variants in MEFV cause disease. This variant is not present in population databases (gnomAD no frequency). This variant has not been reported in the literature in individuals affected with MEFV-related conditions. ClinVar contains an entry for this variant (Variation ID: 1046179). In summary, the available evidence is currently insufficient to determine the role of this variant in disease. Therefore, it has been classified as a Variant of Uncertain Significance.